The following is an entry in ClinVar:

ClinVar aggregate classification (germline): Pathogenic (1 of 4 stars; one submission).

Submission:

Labcorp Genetics (formerly Invitae), Labcorp
Classification: Pathogenic. Last evaluated: 2023-09-09. Review status: criteria provided, single submitter. Criteria: Invitae Variant Classification Sherloc (09022015). Collection method: clinical testing. Allele origin: germline.
Comment: For these reasons, this variant has been classified as Pathogenic. Algorithms developed to predict the effect of sequence changes on RNA splicing suggest that this variant may disrupt the consensus splice site. This variant has not been reported in the literature in individuals affected with ABCA3-related conditions. This variant is not present in population databases (gnomAD no frequency). This sequence change creates a premature translational stop signal (p.Leu1041*) in the ABCA3 gene. It is expected to result in an absent or disrupted protein product. Loss-of-function variants in ABCA3 are known to be pathogenic (PMID: 27516224).

Literature cited by the submitters: PubMed 27516224.

NM_001089.3(ABCA3):c.3122T>A (p.Leu1041Ter)

Gene: ABCA3 (ATP binding cassette subfamily A member 3; minus strand). Cytogenetic location: 16p13.3.
Variant type: single nucleotide variant.
Coding change: c.3122T>A on transcript NM_001089.3 (MANE Select); coding-DNA position 3122, T replaced by A.
Protein change: p.Leu1041Ter; replaces leucine 1041 with a stop codon.
Molecular consequence: nonsense.
Genome position (GRCh38, 1-based): chr16:2,286,850, A>T on the plus strand (T>A on the coding strand, the complement: ABCA3 is on the minus strand). VCF-style: chr16-2286850-A-T. GRCh37 (hg19) VCF-style: chr16-2336851-A-T.
Other names: short protein forms L1041*.
Identifiers: ClinVar variation 2759351 (VCV002759351.3), dbSNP rs2505625491, ClinGen allele CA394320323.